The following is an entry in ClinVar:

ClinVar aggregate classification (germline): Likely benign (0 of 4 stars; one submission).

Conditions:
CELSR3-related disorder. Also called: CELSR3-related condition.

Allele frequency attached by ClinVar (database versions not stated): gnomAD exomes below 0.00001.
gnomAD v4.1: 1 of 1,602,818 alleles (0.000062%); highest among the groups gnomAD compares: Admixed American, 0.0017%; no homozygotes.

Submission:

PreventionGenetics, part of Exact Sciences
Classification: Likely benign for CELSR3-related condition. Last evaluated: 2023-07-06. Review status: no assertion criteria provided. Collection method: clinical testing. Allele origin: germline.
Comment: This variant is classified as likely benign based on ACMG/AMP sequence variant interpretation guidelines (Richards et al. 2015 PMID: 25741868, with internal and published modifications).

NM_001407.3(CELSR3):c.8165+7T>C

Genes: CELSR3 (cadherin EGF LAG seven-pass G-type receptor 3; minus strand), MIR4793 (microRNA 4793; minus strand). Cytogenetic location: 3p21.31.
Variant type: single nucleotide variant.
Coding change: c.8165+7T>C on transcript NM_001407.3 (MANE Select); 7 bases into the intron after coding-DNA position 8165, T replaced by C.
Molecular consequence: intron variant. On other transcripts: non-coding transcript variant (1).
Genome position (GRCh38, 1-based): chr3:48,644,209, A>G on the plus strand (T>C on the coding strand, the complement: CELSR3 is on the minus strand). VCF-style: chr3-48644209-A-G. GRCh37 (hg19) VCF-style: chr3-48681642-A-G.
Identifiers: ClinVar variation 3045355 (VCV003045355.2), dbSNP rs1422853760, ClinGen allele CA433542168.